The following is an entry in ClinVar:

NM_000264.5(PTCH1):c.1871A>G (p.Gln624Arg)

Genes: PTCH1 (patched 1; minus strand), LOC100507346 (uncharacterized LOC100507346; plus strand). Cytogenetic location: 9q22.32.
Variant type: single nucleotide variant.
Coding change: c.1871A>G on transcript NM_000264.5 (MANE Select); coding-DNA position 1871, A replaced by G.
Protein change: p.Gln624Arg; replaces glutamine 624 with arginine.
Molecular consequence: missense variant. On other transcripts: non-coding transcript variant (2).
Genome position (GRCh38, 1-based): chr9:95,469,130, T>C on the plus strand (A>G on the coding strand, the complement: PTCH1 is on the minus strand). VCF-style: chr9-95469130-T-C. GRCh37 (hg19) VCF-style: chr9-98231412-T-C.
Other names: c.1673A>G, p.Gln558Arg (NM_001083602.3); c.1868A>G, p.Gln623Arg (NM_001083603.3); c.1418A>G, p.Gln473Arg (NM_001083604.3, NM_001083605.3, NM_001083606.3 and 1 more transcripts); c.1715A>G, p.Gln572Arg (NM_001354918.2); short protein forms Q473R, Q558R, Q572R, Q623R, Q624R.
Identifiers: ClinVar variation 848405 (VCV000848405.11), dbSNP rs1840322792, ClinGen allele CA374116149.

ClinVar aggregate classification (germline): Uncertain significance. Review status: criteria provided, multiple submitters, no conflicts (2 of 4 stars). 2 submissions from 2 submitters: Uncertain significance (2). Last evaluated 2025-01-01.

Conditions:
Hereditary cancer-predisposing syndrome. Also called: Neoplastic Syndromes, Hereditary; Hereditary Cancer Syndrome; Hereditary neoplastic syndrome; Tumor predisposition. Identifiers: Orphanet 140162, MedGen C0027672, MeSH D009386, MONDO:0015356.
Gorlin syndrome. Also called: Nevoid Basal Cell Carcinoma Syndrome; Basal cell nevus syndrome. Identifiers: Orphanet 377, MedGen C0004779, MONDO:0007187.

Allele frequency attached by ClinVar (database versions not stated): gnomAD exomes 0.00001.
gnomAD v4.1: 9 of 1,614,106 alleles (0.00056%); highest among the groups gnomAD compares: Non-Finnish European, 0.00076%; no homozygotes.

Submissions (2):

Labcorp Genetics (formerly Invitae), Labcorp
Classification: Uncertain significance for Gorlin syndrome. Last evaluated: 2025-01-01. Review status: criteria provided, single submitter. Criteria: Invitae Variant Classification Sherloc (09022015). Collection method: clinical testing. Allele origin: germline.
Comment: This sequence change replaces glutamine, which is neutral and polar, with arginine, which is basic and polar, at codon 624 of the PTCH1 protein (p.Gln624Arg). This variant is not present in population databases (gnomAD no frequency). This variant has not been reported in the literature in individuals affected with PTCH1-related conditions. ClinVar contains an entry for this variant (Variation ID: 848405). Invitae Evidence Modeling of protein sequence and biophysical properties (such as structural, functional, and spatial information, amino acid conservation, physicochemical variation, residue mobility, and thermodynamic stability) indicates that this missense variant is not expected to disrupt PTCH1 protein function with a negative predictive value of 95%. In summary, the available evidence is currently insufficient to determine the role of this variant in disease. Therefore, it has been classified as a Variant of Uncertain Significance.

Ambry Genetics
Classification: Uncertain significance for Hereditary cancer-predisposing syndrome. Last evaluated: 2023-11-29. Review status: criteria provided, single submitter. Criteria: Ambry Variant Classification Scheme 2023. Collection method: clinical testing. Allele origin: germline.
Comment: The p.Q624R variant (also known as c.1871A>G), located in coding exon 14 of the PTCH1 gene, results from an A to G substitution at nucleotide position 1871. The glutamine at codon 624 is replaced by arginine, an amino acid with highly similar properties. This amino acid position is conserved. In addition, the in silico prediction for this alteration is inconclusive. Since supporting evidence is limited at this time, the clinical significance of this alteration remains unclear.